The following is an entry in ClinVar:

ClinVar aggregate classification (germline): Uncertain significance (1 of 4 stars; one submission).

Conditions:
Dilated cardiomyopathy 1HH (CMD1HH). Identifiers: Orphanet 154, MedGen C3151293, MONDO:0013479, OMIM 613881.
Myofibrillar myopathy 6. Identifiers: Orphanet 199340, MedGen C2751831, MONDO:0013061, OMIM 612954.

gnomAD v4.1: 1 of 1,613,920 alleles (0.000062%); highest among the groups gnomAD compares: Non-Finnish European, 0.000085%; no homozygotes.

Submission:

Labcorp Genetics (formerly Invitae), Labcorp
Classification: Uncertain significance for Dilated cardiomyopathy 1HH; Myofibrillar myopathy 6. Last evaluated: 2024-11-24. Review status: criteria provided, single submitter. Criteria: Invitae Variant Classification Sherloc (09022015). Collection method: clinical testing. Allele origin: germline.
Comment: This sequence change replaces valine, which is neutral and non-polar, with aspartic acid, which is acidic and polar, at codon 328 of the BAG3 protein (p.Val328Asp). This variant is not present in population databases (gnomAD no frequency). This variant has not been reported in the literature in individuals affected with BAG3-related conditions. Invitae Evidence Modeling of protein sequence and biophysical properties (such as structural, functional, and spatial information, amino acid conservation, physicochemical variation, residue mobility, and thermodynamic stability) indicates that this missense variant is not expected to disrupt BAG3 protein function with a negative predictive value of 80%. In summary, the available evidence is currently insufficient to determine the role of this variant in disease. Therefore, it has been classified as a Variant of Uncertain Significance.

NM_004281.4(BAG3):c.983T>A (p.Val328Asp)

Gene: BAG3 (BAG cochaperone 3; plus strand). Cytogenetic location: 10q26.11.
Variant type: single nucleotide variant.
Coding change: c.983T>A on transcript NM_004281.4 (MANE Select); coding-DNA position 983, T replaced by A.
Protein change: p.Val328Asp; replaces valine 328 with aspartic acid.
Molecular consequence: missense variant.
Genome position (GRCh38, 1-based): chr10:119,676,537, T>A. VCF-style: chr10-119676537-T-A. GRCh37 (hg19) VCF-style: chr10-121436049-T-A.
Other names: short protein forms V328D.
Identifiers: ClinVar variation 3762419 (VCV003762419.2).
Genomic context (GRCh38, chr10:119,676,537, plus strand): 5'-ATCGAGAAACTGCACCTGTTTCCCAGCCTGAAAACAAACCAGAAAGTAAGCCAGGCCCAG[T>A]TGGACCAGAACTCCCTCCTGGACACATCCCAATTCAAGTGATCCGCAAAGAGGTGGATTC-3'
Protein context (NP_004272.2, residues 318-338): ENKPESKPGP[Val328Asp]GPELPPGHIP